The following is an entry in ClinVar:

NM_000352.6(ABCC8):c.693G>A (p.Trp231Ter)

Gene: ABCC8 (ATP binding cassette subfamily C member 8; minus strand). Cytogenetic location: 11p15.1.
Variant type: single nucleotide variant.
Coding change: c.693G>A on transcript NM_000352.6 (MANE Select); coding-DNA position 693, G replaced by A.
Protein change: p.Trp231Ter; replaces tryptophan 231 with a stop codon.
Molecular consequence: nonsense. On other transcripts: non-coding transcript variant (1).
Genome position (GRCh38, 1-based): chr11:17,461,712, C>T on the plus strand (G>A on the coding strand, the complement: ABCC8 is on the minus strand). VCF-style: chr11-17461712-C-T. GRCh37 (hg19) VCF-style: chr11-17483259-C-T.
Other names: c.693G>A, p.Trp231Ter (NM_001287174.3, NM_001351295.2, NM_001351296.2 and 1 more transcripts); short protein forms W231*.
Identifiers: ClinVar variation 1687449 (VCV001687449.4), dbSNP rs1957198348, ClinGen allele CA379778678.

ClinVar aggregate classification (germline): Pathogenic/Likely pathogenic. Review status: criteria provided, multiple submitters, no conflicts (2 of 4 stars). 2 submissions from 2 submitters: Pathogenic (1); Likely pathogenic (1). Last evaluated 2023-11-07.

Conditions:
Hyperinsulinemic hypoglycemia, familial, 1 (HHF1). Also called: HYPERINSULINISM, FAMILIAL, WITH PANCREATIC NESIDIOBLASTOSIS; HYPOGLYCEMIA, HYPERINSULINEMIC, OF INFANCY; NESIDIOBLASTOSIS OF PANCREAS; Persistent hyperinsulinemic hypoglycemia of infancy; Persistent Hyperinsulinemia Hypoglycemia of Infancy. Identifiers: Orphanet 276575, Orphanet 276598, MedGen C2931832, MONDO:0009734, OMIM 256450.

Allele frequency attached by ClinVar (database versions not stated): TOPMed below 0.00001; gnomAD 0.00001.
gnomAD v4.1: 2 of 1,614,080 alleles (0.00012%); highest among the groups gnomAD compares: African/African-American, 0.0027%; no homozygotes.

Submissions (2):

Labcorp Genetics (formerly Invitae), Labcorp
Classification: Pathogenic. Last evaluated: 2023-11-07. Review status: criteria provided, single submitter. Criteria: Invitae Variant Classification Sherloc (09022015). Collection method: clinical testing. Allele origin: germline.
Comment: This sequence change creates a premature translational stop signal (p.Trp231*) in the ABCC8 gene. It is expected to result in an absent or disrupted protein product. Loss-of-function variants in ABCC8 are known to be pathogenic (PMID: 20685672, 23345197). This variant is not present in population databases (gnomAD no frequency). This premature translational stop signal has been observed in individual(s) with autosomal recessive diffuse or focal hyperinsulinism (PMID: 26545876). ClinVar contains an entry for this variant (Variation ID: 1687449). For these reasons, this variant has been classified as Pathogenic.

3billion
Classification: Likely pathogenic for Hyperinsulinemic hypoglycemia, familial, 1. Last evaluated: 2022-05-22. Review status: criteria provided, single submitter. Criteria: ACMG Guidelines, 2015. Collection method: clinical testing. Allele origin: germline. Affected: yes. Observed: 1 heterozygote.
Comment: The variant is not observed in the gnomAD v2.1.1 dataset. Stop-gained (nonsense): predicted to result in a loss or disruption of normal protein function through nonsense-mediated decay (NMD) or protein truncation. Multiple pathogenic variants are reported downstream of the variant. Therefore, this variant is classified as likely pathogenic according to the recommendation of ACMG/AMP guideline.

Literature cited by the submitters: PubMed 20685672 (cited by Labcorp Genetics (formerly Invitae), Labcorp); PubMed 23345197 (cited by Labcorp Genetics (formerly Invitae), Labcorp); PubMed 26545876 (cited by Labcorp Genetics (formerly Invitae), Labcorp).